The following is an entry in ClinVar:

NM_000092.5(COL4A4):c.2202del (p.Glu735fs)

Gene: COL4A4 (collagen type IV alpha 4 chain; minus strand). Cytogenetic location: 2q36.3.
Variant type: Deletion.
Coding change: c.2202del on transcript NM_000092.5 (MANE Select); coding-DNA position 2202, one base deleted (T; older notation c.2202delT).
Protein change: p.Glu735fs; shifts the reading frame from glutamic acid 735.
Molecular consequence: frameshift variant.
Genome position (GRCh38, 1-based): chr2:227,059,586, A deleted on the plus strand (T on the coding strand, the reverse complement: COL4A4 is on the minus strand). VCF-style (leftmost placement, unchanged base first): chr2-227059585-CA-C. GRCh37 (hg19) VCF-style: chr2-227924301-CA-C.
Other names: short protein forms E735fs.
Identifiers: ClinVar variation 5014647 (VCV005014647.1).

ClinVar aggregate classification (germline): Pathogenic (1 of 4 stars; one submission).

Conditions:
Alport syndrome. Also called: Hemorrhagic familial nephritis; Hemorrhagic hereditary nephritis; Congenital hereditary hematuria. Identifiers: Orphanet 63, MedGen C1567741, MONDO:0018965.

Submission:

Myriad Genetics, Inc.
Classification: Pathogenic for Alport syndrome. Last evaluated: 2025-06-26. Review status: criteria provided, single submitter. Criteria: Myriad Autosomal Dominant, Autosomal Recessive and X-Linked Classification Criteria (2023). Collection method: clinical testing. Allele origin: unknown.
Comment: NM_000092.4(COL4A4):c.2202delT(E735Kfs*18) is expected to be pathogenic in the context of Alport syndrome, COL4A4-related. This variant is predicted to lead to an abnormal or absent protein product due to the creation of a premature termination codon in COL4A4, a gene where loss-of-function variants are known to be pathogenic. Please note: this variant was assessed in the context of healthy population screening.